The following is an entry in ClinVar:

ClinVar aggregate classification (germline): Uncertain significance (1 of 4 stars; one submission).

Allele frequency attached by ClinVar (database versions not stated): ExAC 0.00002; TOPMed 0.00004; gnomAD 0.00005; ESP Exome Variant Server 0.00015.
gnomAD v4.1: 51 of 1,613,558 alleles (0.0032%); highest among the groups gnomAD compares: East Asian, 0.0067%; no homozygotes.

Submission:

Labcorp Genetics (formerly Invitae), Labcorp
Classification: Uncertain significance. Last evaluated: 2025-06-04. Review status: criteria provided, single submitter. Criteria: Invitae Variant Classification Sherloc (09022015). Collection method: clinical testing. Allele origin: germline.
Comment: This sequence change replaces alanine, which is neutral and non-polar, with valine, which is neutral and non-polar, at codon 227 of the PROSC protein (p.Ala227Val). This variant is present in population databases (rs374410929, gnomAD 0.01%). This variant has not been reported in the literature in individuals affected with PROSC-related conditions. ClinVar contains an entry for this variant (Variation ID: 1917457). Invitae Evidence Modeling of protein sequence and biophysical properties (such as structural, functional, and spatial information, amino acid conservation, physicochemical variation, residue mobility, and thermodynamic stability) indicates that this missense variant is not expected to disrupt PROSC protein function with a negative predictive value of 80%. In summary, the available evidence is currently insufficient to determine the role of this variant in disease. Therefore, it has been classified as a Variant of Uncertain Significance.

NM_007198.4(PLPBP):c.680C>T (p.Ala227Val)

Gene: PLPBP (pyridoxal phosphate binding protein; plus strand). Cytogenetic location: 8p11.23.
Variant type: single nucleotide variant.
Coding change: c.680C>T on transcript NM_007198.4 (MANE Select); coding-DNA position 680, C replaced by T.
Protein change: p.Ala227Val; replaces alanine 227 with valine.
Molecular consequence: missense variant.
Genome position (GRCh38, 1-based): chr8:37,776,000, C>T. VCF-style: chr8-37776000-C-T. GRCh37 (hg19) VCF-style: chr8-37633518-C-T.
Other names: c.710C>T, p.Ala237Val (NM_001349346.2); c.674C>T, p.Ala225Val (NM_001349347.2); c.524C>T, p.Ala175Val (NM_001349348.2); short protein forms A175V, A227V, A237V, A225V.
Identifiers: ClinVar variation 1917457 (VCV001917457.4), dbSNP rs374410929, ClinGen allele CA4711311.